The following is an entry in ClinVar:

NM_000810.4(GABRA5):c.1204T>G (p.Ser402Ala)

Gene: GABRA5 (gamma-aminobutyric acid type A receptor subunit alpha5; plus strand). Cytogenetic location: 15q12.
Variant type: single nucleotide variant.
Coding change: c.1204T>G on transcript NM_000810.4 (MANE Select); coding-DNA position 1204, T replaced by G.
Protein change: p.Ser402Ala; replaces serine 402 with alanine.
Molecular consequence: missense variant.
Genome position (GRCh38, 1-based): chr15:26,948,048, T>G. VCF-style: chr15-26948048-T-G. GRCh37 (hg19) VCF-style: chr15-27193195-T-G.
Other names: c.1204T>G, p.Ser402Ala (NM_001165037.2); c.1204T>G (NM_000810.3); short protein forms S402A.
Identifiers: ClinVar variation 1694736 (VCV001694736.34), dbSNP rs202172745, ClinGen allele CA7438061.
Genomic context (GRCh38, chr15:26,948,048, plus strand): 5'-ATGTCTCACCCCCCAAACATTCCGAAGGAACAGACCCCAGCAGGGACGTCGAATACAACC[T>G]CAGTCTCAGTAAAACCCTCTGAAGAGAAGACTTCTGAAAGCAAAAAGACTTACAACAGTA-3'
Protein context (NP_000801.1, residues 392-412): QTPAGTSNTT[Ser402Ala]VSVKPSEEKT

ClinVar aggregate classification (germline): Benign/Likely benign. Review status: criteria provided, multiple submitters, no conflicts (2 of 4 stars). 3 submissions from 3 submitters: Benign (1); Likely benign (1). 1 of the submissions does not count toward it. Last evaluated 2026-01-01.

Conditions:
GABRA5-related disorder. Also called: GABRA5-related condition.
Inborn genetic diseases. Identifiers: MedGen C0950123, MeSH D030342.

Allele frequency attached by ClinVar (database versions not stated): 1000 Genomes Project 30x 0.00016; ESP Exome Variant Server 0.00034; TOPMed 0.00040; gnomAD exomes 0.00051 and 0.00062; gnomAD 0.00052 and 0.00056; ExAC 0.00092.
gnomAD v4.1: 804 of 1,608,074 alleles (0.05%); highest among the groups gnomAD compares: Non-Finnish European, 0.059%; 1 homozygote.

Submissions (3):

CeGaT Center for Human Genetics Tuebingen
Classification: Benign. Last evaluated: 2026-01-01. Review status: criteria provided, single submitter. Criteria: CeGaT Center For Human Genetics Tuebingen Variant Classification Criteria Version 2. Collection method: clinical testing. Allele origin: germline. Affected: yes. Observed: 10 variant alleles.
Comment: GABRA5: BP4, BS1, BS2

Ambry Genetics
Classification: Likely benign for Inborn genetic diseases. Last evaluated: 2023-07-25. Review status: criteria provided, single submitter. Criteria: Ambry Variant Classification Scheme 2023. Collection method: clinical testing. Allele origin: germline.

PreventionGenetics, part of Exact Sciences
Classification: Likely benign for GABRA5-related condition. Last evaluated: 2022-03-10. Review status: no assertion criteria provided. Collection method: clinical testing. Allele origin: germline. Not counted in ClinVar's aggregate classification.
Comment: This variant is classified as likely benign based on ACMG/AMP sequence variant interpretation guidelines (Richards et al. 2015 PMID: 25741868, with internal and published modifications).